The following is an entry in ClinVar:

NM_138420.4(AHNAK2):c.3961G>T (p.Val1321Leu)

Gene: AHNAK2 (AHNAK nucleoprotein 2; minus strand). Cytogenetic location: 14q32.33.
Variant type: single nucleotide variant.
Coding change: c.3961G>T on transcript NM_138420.4 (MANE Select); coding-DNA position 3961, G replaced by T.
Protein change: p.Val1321Leu; replaces valine 1321 with leucine.
Molecular consequence: missense variant.
Genome position (GRCh38, 1-based): chr14:104,951,490, C>A on the plus strand (G>T on the coding strand, the complement: AHNAK2 is on the minus strand). VCF-style: chr14-104951490-C-A. GRCh37 (hg19) VCF-style: chr14-105417827-C-A.
Other names: c.3661G>T, p.Val1221Leu (NM_001350929.2); short protein forms V1221L, V1321L.
Identifiers: ClinVar variation 4821598 (VCV004821598.4).

ClinVar aggregate classification (germline): Likely benign (1 of 4 stars; one submission).

Submission:

CeGaT Center for Human Genetics Tuebingen
Classification: Likely benign. Last evaluated: 2026-01-01. Review status: criteria provided, single submitter. Criteria: CeGaT Center For Human Genetics Tuebingen Variant Classification Criteria Version 2. Collection method: clinical testing. Allele origin: germline. Affected: yes. Observed: 1 variant allele.
Comment: AHNAK2: BP4